The following is an entry in ClinVar:

ClinVar aggregate classification (germline): Uncertain significance (1 of 4 stars; one submission).

Submission:

CeGaT Center for Human Genetics Tuebingen
Classification: Uncertain significance. Last evaluated: 2024-05-01. Review status: criteria provided, single submitter. Criteria: CeGaT Center For Human Genetics Tuebingen Variant Classification Criteria Version 2. Collection method: clinical testing. Allele origin: germline. Affected: yes. Observed: 2 variant alleles.
Comment: TTN: PM2

NM_001267550.2(TTN):c.64005G>T (p.Glu21335Asp)

Genes: TTN (titin; minus strand), TTN-AS1 (TTN antisense RNA 1; plus strand). Cytogenetic location: 2q31.2.
Variant type: single nucleotide variant.
Coding change: c.64005G>T on transcript NM_001267550.2 (MANE Select); coding-DNA position 64005, G replaced by T.
Protein change: p.Glu21335Asp; replaces glutamic acid 21335 with aspartic acid.
Molecular consequence: missense variant.
Genome position (GRCh38, 1-based): chr2:178,587,206, C>A on the plus strand (G>T on the coding strand, the complement: TTN is on the minus strand). VCF-style: chr2-178587206-C-A. GRCh37 (hg19) VCF-style: chr2-179451933-C-A.
Other names: c.36810G>T, p.Glu12270Asp (NM_003319.4); c.56301G>T, p.Glu18767Asp (NM_133378.4); c.37185G>T, p.Glu12395Asp (NM_133432.3); c.37386G>T, p.Glu12462Asp (NM_133437.4); c.59082G>T, p.Glu19694Asp (NM_001256850.1); short protein forms E12270D, E12395D, E12462D, E18767D, E19694D, E21335D.
Identifiers: ClinVar variation 3239390 (VCV003239390.19), dbSNP rs749889687.